The following is an entry in ClinVar:

ClinVar aggregate classification (germline): Uncertain significance (1 of 4 stars; one submission).

Conditions:
AR-related disorder. Also called: AR-related condition.

Submission:

PreventionGenetics, part of Exact Sciences
Classification: Uncertain significance for AR-related condition. Last evaluated: 2025-12-03. Review status: criteria provided, single submitter. Criteria: ACMG Guidelines, 2015. Collection method: clinical testing. Allele origin: germline.
Comment: The AR c.2114T>C variant is predicted to result in the amino acid substitution p.Leu705Pro. To our knowledge, this variant has not been reported in the literature or in a large population database (gnomAD), indicating this variant is rare. An alternate missense variant at this amino acid position (c.2113C>T, p.Leu705Phe) has been reported in an individual with complete androgen insensitivity syndrome (Doehnert et al. 2015. PubMed ID: 25613104) and in an individual with female external genitalia, cryptorchidism, and clitoromegaly (Tang et al. 2023. PubMed ID: 37493574). Although we suspect that the c.2114T>C (p.Leu705Pro) variant may be pathogenic, at this time, the clinical significance is uncertain due to the absence of conclusive functional and genetic evidence.

NM_000044.6(AR):c.2114T>C (p.Leu705Pro)

Gene: AR (androgen receptor; plus strand). Cytogenetic location: Xq12.
Variant type: single nucleotide variant.
Coding change: c.2114T>C on transcript NM_000044.6 (MANE Select); coding-DNA position 2114, T replaced by C.
Protein change: p.Leu705Pro; replaces leucine 705 with proline.
Molecular consequence: missense variant.
Genome position (GRCh38, 1-based): chrX:67,711,630, T>C. VCF-style: chrX-67711630-T-C. GRCh37 (hg19) VCF-style: chrX-66931472-T-C.
Other names: c.518T>C, p.Leu173Pro (NM_001011645.3); short protein forms L705P, L173P.
Identifiers: ClinVar variation 4994326 (VCV004994326.1).
Genomic context (GRCh38, chrX:67,711,630, plus strand): 5'-TAGTGTGTGCTGGACACGACAACAACCAGCCCGACTCCTTTGCAGCCTTGCTCTCTAGCC[T>C]CAATGAACTGGGAGAGAGACAGCTTGTACACGTGGTCAAGTGGGCCAAGGCCTTGCCTGG-3'
Protein context (NP_000035.2, residues 695-715): PDSFAALLSS[Leu705Pro]NELGERQLVH